The following is an entry in ClinVar:

ClinVar aggregate classification (germline): Likely benign. Review status: criteria provided, single submitter (1 of 4 stars). 2 submissions from 2 submitters: Likely benign (1). 1 of the submissions does not count toward it. Last evaluated 2026-01-11.

Conditions:
VPS53-related disorder. Also called: VPS53-related condition.

Allele frequency attached by ClinVar (database versions not stated): gnomAD exomes below 0.00001; ExAC 0.00002; TOPMed 0.00006; ESP Exome Variant Server 0.00008; gnomAD 0.00009.
gnomAD v4.1: 19 of 1,613,482 alleles (0.0012%); highest among the groups gnomAD compares: African/African-American, 0.025%; no homozygotes.

Submissions (2):

Labcorp Genetics (formerly Invitae), Labcorp
Classification: Likely benign. Last evaluated: 2026-01-11. Review status: criteria provided, single submitter. Criteria: Invitae Variant Classification Sherloc (09022015). Collection method: clinical testing. Allele origin: germline.

PreventionGenetics, part of Exact Sciences
Classification: Likely benign for VPS53-related condition. Last evaluated: 2019-03-29. Review status: no assertion criteria provided. Collection method: clinical testing. Allele origin: germline. Not counted in ClinVar's aggregate classification.
Comment: This variant is classified as likely benign based on ACMG/AMP sequence variant interpretation guidelines (Richards et al. 2015 PMID: 25741868, with internal and published modifications).

NM_001128159.3(VPS53):c.609-5C>G

Gene: VPS53 (VPS53 subunit of GARP complex; minus strand). Cytogenetic location: 17p13.3.
Variant type: single nucleotide variant.
Coding change: c.609-5C>G on transcript NM_001128159.3 (MANE Select); 5 bases into the intron before coding-DNA position 609, C replaced by G.
Molecular consequence: intron variant.
Genome position (GRCh38, 1-based): chr17:631,633, G>C on the plus strand (C>G on the coding strand, the complement: VPS53 is on the minus strand). VCF-style: chr17-631633-G-C. GRCh37 (hg19) VCF-style: chr17-534873-G-C.
Other names: c.522-5C>G (NM_018289.4); c.609-5C>G (NM_001366253.2); c.15-5C>G (NM_001366254.2).
Identifiers: ClinVar variation 3051051 (VCV003051051.3), dbSNP rs368182133, ClinGen allele CA8261682.